The following is an entry in ClinVar:

ClinVar aggregate classification (germline): Pathogenic. Review status: criteria provided, multiple submitters, no conflicts (2 of 4 stars). 2 submissions from 2 submitters: Pathogenic (2). Last evaluated 2026-03-10.

Conditions:
Methylmalonic aciduria and homocystinuria type cblD (MAHCD). Also called: METHYLMALONIC ACIDEMIA, cblH TYPE; Methylmalonic aciduria with homocystinuria cblD type. Identifiers: Orphanet 622, Orphanet 79283, MedGen C1848552, MONDO:0010185, OMIM 277410.

Allele frequency attached by ClinVar (database versions not stated): TOPMed below 0.00001; gnomAD 0.00001; ESP Exome Variant Server 0.00008.
gnomAD v4.1: 1 of 1,607,728 alleles (0.000062%); highest among the groups gnomAD compares: Non-Finnish European, 0.000085%; no homozygotes.

Submissions (2):

Dasa
Classification: Pathogenic. Last evaluated: 2026-03-10. Review status: criteria provided, single submitter. Criteria: DASA Assertion Criteria. Collection method: clinical testing. Allele origin: germline.
Comment: NM_015702.3(MMADHC):c.538C>T (p.Gln180*) introduces a premature termination codon predicted to result in loss of normal protein function. Loss-of-function is an established mechanism of disease for this gene. Functional evidence supports a deleterious effect on the gene or gene product (PMID: 33552904). This variant has been reported in individuals with related phenotype (PMID: 33552904). The variant is present at low frequency in population datasets. Based on the available data, this variant is classified as pathogenic.

Labcorp Genetics (formerly Invitae), Labcorp
Classification: Pathogenic for Methylmalonic aciduria and homocystinuria type cblD. Last evaluated: 2023-09-28. Review status: criteria provided, single submitter. Criteria: Invitae Variant Classification Sherloc (09022015). Collection method: clinical testing. Allele origin: germline.
Comment: This premature translational stop signal has been observed in individual(s) with cobalamin D deficiency (PMID: 33552904). For these reasons, this variant has been classified as Pathogenic. This variant is not present in population databases (gnomAD no frequency). This sequence change creates a premature translational stop signal (p.Gln180*) in the MMADHC gene. It is expected to result in an absent or disrupted protein product. Loss-of-function variants in MMADHC are known to be pathogenic (PMID: 18385497).

Literature cited by the submitters: PubMed 33552904 (cited by Dasa and Labcorp Genetics (formerly Invitae), Labcorp); PubMed 18385497 (cited by Labcorp Genetics (formerly Invitae), Labcorp).

NM_015702.3(MMADHC):c.538C>T (p.Gln180Ter)

Gene: MMADHC (metabolism of cobalamin associated D; minus strand). Cytogenetic location: 2q23.2.
Variant type: single nucleotide variant.
Coding change: c.538C>T on transcript NM_015702.3 (MANE Select); coding-DNA position 538, C replaced by T.
Protein change: p.Gln180Ter; replaces glutamine 180 with a stop codon.
Molecular consequence: nonsense.
Genome position (GRCh38, 1-based): chr2:149,575,782, G>A on the plus strand (C>T on the coding strand, the complement: MMADHC is on the minus strand). VCF-style: chr2-149575782-G-A. GRCh37 (hg19) VCF-style: chr2-150432296-G-A.
Other names: short protein forms Q180*.
Identifiers: ClinVar variation 2734282 (VCV002734282.4), dbSNP rs374702278, ClinGen allele CA58332940.
Genomic context (GRCh38, chr2:149,575,782, plus strand): 5'-GCACTTCTCTTTCAATTTCTACTTCTTCACTCCAAACAGTCATATCATTCTTAGTTTTTT[G>A]TGTTACAGTCAGAATCATTAGTTTGCCATTAGCTACTTCTGGAAACAGTGATTCAAAATC-3'